The following is an entry in ClinVar:

ClinVar aggregate classification (germline): Uncertain significance (1 of 4 stars; one submission).

Conditions:
Hereditary sensory and autonomic neuropathy type 7. Also called: HSAN VII; Neuropathy, hereditary sensory and autonomic, type VII. Identifiers: Orphanet 391397, MedGen C3809882, MONDO:0014244, OMIM 615548.
Familial episodic pain syndrome with predominantly lower limb involvement. Also called: Episodic pain syndrome, familial, 3. Identifiers: Orphanet 391384, Orphanet 391392, MedGen C3809899, MONDO:0014247, OMIM 615552.

Allele frequency attached by ClinVar (database versions not stated): TOPMed below 0.00001.

Submission:

Labcorp Genetics (formerly Invitae), Labcorp
Classification: Uncertain significance for Familial episodic pain syndrome with predominantly lower limb involvement; Hereditary sensory and autonomic neuropathy type 7. Last evaluated: 2022-10-08. Review status: criteria provided, single submitter. Criteria: Invitae Variant Classification Sherloc (09022015). Collection method: clinical testing. Allele origin: germline.
Comment: In summary, the available evidence is currently insufficient to determine the role of this variant in disease. Therefore, it has been classified as a Variant of Uncertain Significance. Advanced modeling of protein sequence and biophysical properties (such as structural, functional, and spatial information, amino acid conservation, physicochemical variation, residue mobility, and thermodynamic stability) performed at Invitae indicates that this missense variant is not expected to disrupt SCN11A protein function. This variant has not been reported in the literature in individuals affected with SCN11A-related conditions. This variant is not present in population databases (gnomAD no frequency). This sequence change replaces glutamic acid, which is acidic and polar, with aspartic acid, which is acidic and polar, at codon 1453 of the SCN11A protein (p.Glu1453Asp).

NM_001349253.2(SCN11A):c.4359G>C (p.Glu1453Asp)

Gene: SCN11A (sodium voltage-gated channel alpha subunit 11; minus strand). Cytogenetic location: 3p22.2.
Variant type: single nucleotide variant.
Coding change: c.4359G>C on transcript NM_001349253.2 (MANE Select); coding-DNA position 4359, G replaced by C.
Protein change: p.Glu1453Asp; replaces glutamic acid 1453 with aspartic acid.
Molecular consequence: missense variant.
Genome position (GRCh38, 1-based): chr3:38,847,711, C>G on the plus strand (G>C on the coding strand, the complement: SCN11A is on the minus strand). VCF-style: chr3-38847711-C-G. GRCh37 (hg19) VCF-style: chr3-38889202-C-G.
Other names: c.4359G>C, p.Glu1453Asp (NM_014139.3); short protein forms E1453D.
Identifiers: ClinVar variation 2087645 (VCV002087645.4), dbSNP rs2064699364, ClinGen allele CA352164134.